The following is an entry in ClinVar:

ClinVar aggregate classification (germline): Uncertain significance. Review status: criteria provided, multiple submitters, no conflicts (2 of 4 stars). 3 submissions from 3 submitters: Uncertain significance (3). Last evaluated 2025-06-22.

Conditions:
Cardiovascular phenotype. Identifiers: MedGen CN230736.
Cardiomyopathy (CMYO). Also called: Cardiomyopathies. Identifiers: Orphanet 167848, MedGen C0878544, MONDO:0004994, HP:0001638. Inheritance: Various modes of inheritance.
Arrhythmogenic right ventricular dysplasia 11. Also called: ARRHYTHMOGENIC RIGHT VENTRICULAR DYSPLASIA, FAMILIAL, 11; Arrhythmogenic Right Ventricular Dysplasia/Cardiomyopathy11; Arrhythmogenic right ventricular dysplasia 11 with mild palmoplantar keratoderma and woolly hair. Identifiers: MedGen C1864850, MONDO:0012506, OMIM 610476.

Allele frequency attached by ClinVar (database versions not stated): TOPMed below 0.00001.
gnomAD v4.1: 7 of 1,613,902 alleles (0.00043%); highest among the groups gnomAD compares: South Asian, 0.0022%; no homozygotes.

Submissions (3):

Labcorp Genetics (formerly Invitae), Labcorp
Classification: Uncertain significance for Arrhythmogenic right ventricular dysplasia 11. Last evaluated: 2025-06-22. Review status: criteria provided, single submitter. Criteria: Invitae Variant Classification Sherloc (09022015). Collection method: clinical testing. Allele origin: germline.
Comment: This sequence change replaces valine, which is neutral and non-polar, with methionine, which is neutral and non-polar, at codon 570 of the DSC2 protein (p.Val570Met). This variant is not present in population databases (gnomAD no frequency). This variant has not been reported in the literature in individuals affected with DSC2-related conditions. ClinVar contains an entry for this variant (Variation ID: 918496). Invitae Evidence Modeling of protein sequence and biophysical properties (such as structural, functional, and spatial information, amino acid conservation, physicochemical variation, residue mobility, and thermodynamic stability) indicates that this missense variant is not expected to disrupt DSC2 protein function with a negative predictive value of 80%. In summary, the available evidence is currently insufficient to determine the role of this variant in disease. Therefore, it has been classified as a Variant of Uncertain Significance.

Ambry Genetics
Classification: Uncertain significance for Cardiovascular phenotype. Last evaluated: 2025-01-04. Review status: criteria provided, single submitter. Criteria: Ambry Variant Classification Scheme 2023. Collection method: clinical testing. Allele origin: germline.
Comment: The p.V570M variant (also known as c.1708G>A), located in coding exon 12 of the DSC2 gene, results from a G to A substitution at nucleotide position 1708. The valine at codon 570 is replaced by methionine, an amino acid with highly similar properties. This amino acid position is conserved. In addition, the in silico prediction for this alteration is inconclusive. Based on the available evidence, the clinical significance of this variant remains unclear.

Color Diagnostics, LLC DBA Color Health
Classification: Uncertain significance for Cardiomyopathy. Last evaluated: 2023-12-04. Review status: criteria provided, single submitter. Criteria: ACMG Guidelines, 2015. Collection method: clinical testing. Allele origin: germline.
Comment: This missense variant replaces valine with methionine at codon 570 of the DSC2 protein. Computational prediction suggests that this variant may not impact protein structure and function (internally defined REVEL score threshold <= 0.5, PMID: 27666373). To our knowledge, functional studies have not been reported for this variant. This variant has not been reported in individuals affected with DSC2-related disorders in the literature. This variant has not been identified in the general population by the Genome Aggregation Database (gnomAD). The available evidence is insufficient to determine the role of this variant in disease conclusively. Therefore, this variant is classified as a Variant of Uncertain Significance.

NM_024422.6(DSC2):c.1708G>A (p.Val570Met)

Gene: DSC2 (desmocollin 2; minus strand). Cytogenetic location: 18q12.1.
Variant type: single nucleotide variant.
Coding change: c.1708G>A on transcript NM_024422.6 (MANE Select); coding-DNA position 1708, G replaced by A.
Protein change: p.Val570Met; replaces valine 570 with methionine.
Molecular consequence: missense variant.
Genome position (GRCh38, 1-based): chr18:31,074,863, C>T on the plus strand (G>A on the coding strand, the complement: DSC2 is on the minus strand). VCF-style: chr18-31074863-C-T. GRCh37 (hg19) VCF-style: chr18-28654829-C-T.
Other names: c.1708G>A, p.Val570Met (NM_004949.5); short protein forms V570M.
Identifiers: ClinVar variation 918496 (VCV000918496.7), dbSNP rs992887444, ClinGen allele CA297690978.